The following is an entry in ClinVar:

NM_031857.2(PCDHA9):c.2046G>T (p.Ala682=)

Genes: PCDHA1 (protocadherin alpha 1; plus strand), PCDHA2 (protocadherin alpha 2; plus strand), PCDHA3 (protocadherin alpha 3; plus strand), PCDHA4 (protocadherin alpha 4; plus strand), PCDHA5 (protocadherin alpha 5; plus strand) and 5 more. Cytogenetic location: 5q31.3.
Variant type: single nucleotide variant.
Coding change: c.2046G>T on transcript NM_031857.2 (MANE Select); coding-DNA position 2046, G replaced by T.
Protein change: p.Ala682=; no amino-acid change (alanine 682 retained).
Molecular consequence: synonymous variant. On other transcripts: intron variant (10).
Genome position (GRCh38, 1-based): chr5:140,850,541, G>T. VCF-style: chr5-140850541-G-T. GRCh37 (hg19) VCF-style: chr5-140230126-G-T.
Other names: c.2046G>T, p.Ala682= (NM_014005.5); c.2394+61857G>T (NM_018900.4); c.1602+62649G>T (NM_031411.3); c.2388+53189G>T (NM_018905.3); c.2394+46950G>T (NM_018906.3); c.2385+40969G>T (NM_018907.4); c.2352+26414G>T (NM_018908.3); c.2394+20056G>T (NM_018909.4); and 3 more.
Identifiers: ClinVar variation 2655776 (VCV002655776.22), dbSNP rs1554144490, ClinGen allele CA446819881.
Genomic context (GRCh38, chr5:140,850,541, plus strand): 5'-GGCCACTGTGCTGGTGTCGCTGGTGGAGAGCGGCCAGGCGCCAAAGTCATCGTCGCGGGC[G>T]TCAGTGGGTGCCACGGGCCCCGAGGTGACGCTGGTGGATGTCAACGTGTACCTGATCATC-3'
Protein context (NP_114063.1, residues 672-692): SGQAPKSSSR[Ala682=]SVGATGPEVT

ClinVar aggregate classification (germline): Likely benign (1 of 4 stars; one submission).

gnomAD v4.1: 3 of 1,598,386 alleles (0.00019%); highest among the groups gnomAD compares: Non-Finnish European, 0.00026%; no homozygotes.

Submission:

CeGaT Center for Human Genetics Tuebingen
Classification: Likely benign. Last evaluated: 2022-05-01. Review status: criteria provided, single submitter. Criteria: CeGaT Center For Human Genetics Tuebingen Variant Classification Criteria Version 2. Collection method: clinical testing. Allele origin: germline. Affected: yes. Observed: 1 variant allele.
Comment: PCDHA9: PM2:Supporting, BP4, BP7